The following is an entry in ClinVar:

ClinVar aggregate classification (germline): Uncertain significance (1 of 4 stars; one submission).

Submission:

GeneDx
Classification: Uncertain significance. Last evaluated: 2025-04-14. Review status: criteria provided, single submitter. Criteria: GeneDx Variant Classification Process June 2021. Collection method: clinical testing. Allele origin: germline. Affected: yes.
Comment: Not observed at significant frequency in large population cohorts (gnomAD); In silico analysis supports that this missense variant has a deleterious effect on protein structure/function; Has not been previously published as pathogenic or benign to our knowledge

NM_001134363.3(RBM20):c.2701T>C (p.Tyr901His)

Gene: RBM20 (RNA binding motif protein 20; plus strand). Cytogenetic location: 10q25.2.
Variant type: single nucleotide variant.
Coding change: c.2701T>C on transcript NM_001134363.3 (MANE Select); coding-DNA position 2701, T replaced by C.
Protein change: p.Tyr901His; replaces tyrosine 901 with histidine.
Molecular consequence: missense variant.
Genome position (GRCh38, 1-based): chr10:110,821,320, T>C. VCF-style: chr10-110821320-T-C. GRCh37 (hg19) VCF-style: chr10-112581078-T-C.
Other names: short protein forms Y901H.
Identifiers: ClinVar variation 4282017 (VCV004282017.1).